The following is an entry in ClinVar:

NM_000440.3(PDE6A):c.1166C>G (p.Pro389Arg)

Gene: PDE6A (phosphodiesterase 6A; minus strand). Cytogenetic location: 5q32.
Variant type: single nucleotide variant.
Coding change: c.1166C>G on transcript NM_000440.3 (MANE Select); coding-DNA position 1166, C replaced by G.
Protein change: p.Pro389Arg; replaces proline 389 with arginine.
Molecular consequence: missense variant.
Genome position (GRCh38, 1-based): chr5:149,899,472, G>C on the plus strand (C>G on the coding strand, the complement: PDE6A is on the minus strand). VCF-style: chr5-149899472-G-C. GRCh37 (hg19) VCF-style: chr5-149279035-G-C.
Other names: c.923C>G, p.Pro308Arg (NM_001410788.1); short protein forms P389R, P308R.
Identifiers: ClinVar variation 2005017 (VCV002005017.4), dbSNP rs1406110455, ClinGen allele CA361696967.

ClinVar aggregate classification (germline): Uncertain significance (1 of 4 stars; one submission).

Submission:

Labcorp Genetics (formerly Invitae), Labcorp
Classification: Uncertain significance. Last evaluated: 2022-06-12. Review status: criteria provided, single submitter. Criteria: Invitae Variant Classification Sherloc (09022015). Collection method: clinical testing. Allele origin: germline.
Comment: In summary, the available evidence is currently insufficient to determine the role of this variant in disease. Therefore, it has been classified as a Variant of Uncertain Significance. Algorithms developed to predict the effect of missense changes on protein structure and function are either unavailable or do not agree on the potential impact of this missense change (SIFT: "Deleterious"; PolyPhen-2: "Probably Damaging"; Align-GVGD: "Class C15"). This variant has not been reported in the literature in individuals affected with PDE6A-related conditions. This variant is not present in population databases (gnomAD no frequency). This sequence change replaces proline, which is neutral and non-polar, with arginine, which is basic and polar, at codon 389 of the PDE6A protein (p.Pro389Arg).